The following is an entry in ClinVar:

ClinVar aggregate classification (germline): Uncertain significance (1 of 4 stars; one submission).

gnomAD v4.1: 1 of 1,211,532 alleles (0.000083%); highest among the groups gnomAD compares: Non-Finnish European, 0.00011%; no homozygotes.

Submission:

GeneDx
Classification: Uncertain significance. Last evaluated: 2024-01-21. Review status: criteria provided, single submitter. Criteria: GeneDx Variant Classification Process June 2021. Collection method: clinical testing. Allele origin: germline. Affected: yes.
Comment: Not observed at significant frequency in large population cohorts (gnomAD); In silico analysis supports that this missense variant has a deleterious effect on protein structure/function; Has not been previously published as pathogenic or benign to our knowledge

NM_015922.3(NSDHL):c.834C>G (p.Phe278Leu)

Gene: NSDHL (NAD(P) dependent steroid dehydrogenase-like; plus strand). Cytogenetic location: Xq28.
Variant type: single nucleotide variant.
Coding change: c.834C>G on transcript NM_015922.3 (MANE Select); coding-DNA position 834, C replaced by G.
Protein change: p.Phe278Leu; replaces phenylalanine 278 with leucine.
Molecular consequence: missense variant.
Genome position (GRCh38, 1-based): chrX:152,868,828, C>G. VCF-style: chrX-152868828-C-G. GRCh37 (hg19) VCF-style: chrX-152037372-C-G.
Other names: c.834C>G, p.Phe278Leu (NM_001129765.2); short protein forms F278L.
Identifiers: ClinVar variation 3368054 (VCV003368054.1).
Genomic context (GRCh38, chrX:152,868,828, plus strand): 5'-CTTGTTCTCCCGCCAGGCATTTCACATCACCAATGATGAGCCCATCCCTTTCTGGACATT[C>G]CTGTCTCGCATCCTGACAGGCCTCAATTATGAGGCCCCCAAGTACCACATCCCCTACTGG-3'
Protein context (NP_057006.1, residues 268-288): TNDEPIPFWT[Phe278Leu]LSRILTGLNY